The following is an entry in ClinVar:

NM_001278293.3(ARL6):c.350-13_350-2del

Gene: ARL6 (ARF like GTPase 6; plus strand). Cytogenetic location: 3q11.2.
Variant type: Deletion.
Coding change: c.350-13_350-2del on transcript NM_001278293.3 (MANE Select); 13 bases into the intron before coding-DNA position 350 through the canonical splice acceptor site of the intron before coding-DNA position 350, 12 bases deleted (TTTTCTCTTTTA).
Molecular consequence: splice acceptor variant.
Genome position (GRCh38, 1-based): chr3:97,787,977-97,787,988, TTTTCTCTTTTA deleted; deleting any 12 consecutive bases within chr3:97,787,974-97,787,988 gives the same sequence; the c. name uses the placement nearest the transcript's 3' end. VCF-style (leftmost placement, unchanged base first): chr3-97787973-CTTATTTTCTCTT-C. GRCh37 (hg19) VCF-style: chr3-97506817-CTTATTTTCTCTT-C.
Other names: c.350-13_350-2del (NM_032146.5, NM_177976.3, NM_001323513.2 and 1 more transcripts).
Identifiers: ClinVar variation 656044 (VCV000656044.7), dbSNP rs1576465252, ClinGen allele CA915941515.

ClinVar aggregate classification (germline): Likely pathogenic (1 of 4 stars; one submission).

Conditions:
Bardet-Biedl syndrome 3 (BBS3). Identifiers: Orphanet 110, MedGen C1859564, MONDO:0010832, OMIM 600151.
Retinitis pigmentosa 55 (RP55). Identifiers: Orphanet 791, MedGen C3150808, MONDO:0013312, OMIM 613575.

Submission:

Labcorp Genetics (formerly Invitae), Labcorp
Classification: Likely pathogenic for Retinitis pigmentosa 55; Bardet-Biedl syndrome 3. Last evaluated: 2019-03-28. Review status: criteria provided, single submitter. Criteria: Invitae Variant Classification Sherloc (09022015). Collection method: clinical testing. Allele origin: germline.
Comment: In summary, the currently available evidence indicates that the variant is pathogenic, but additional data are needed to prove that conclusively. Therefore, this variant has been classified as Likely Pathogenic. Algorithms developed to predict the effect of sequence changes on RNA splicing suggest that this variant may disrupt the consensus splice site, but this prediction has not been confirmed by published transcriptional studies. This variant has been observed to be homozygous in an individual with clinical features of Bardet-Biedl syndrome (Invitae). This variant is not present in population databases (ExAC no frequency). This sequence change falls in intron 6 of the ARL6 gene. It does not directly change the encoded amino acid sequence of the ARL6 protein.